The following is an entry in ClinVar:

ClinVar aggregate classification (germline): Conflicting classifications of pathogenicity. Review status: criteria provided, conflicting classifications (1 of 4 stars). 10 submissions from 10 submitters: Uncertain significance (1); Likely benign (8). 1 of the submissions does not count toward it. Last evaluated 2026-09-01.

Conditions:
TMEM43-related disorder. Also called: TMEM43-related condition.
Cardiovascular phenotype. Identifiers: MedGen CN230736.
Cardiomyopathy (CMYO). Also called: Cardiomyopathies. Identifiers: Orphanet 167848, MedGen C0878544, MONDO:0004994, HP:0001638. Inheritance: Various modes of inheritance.
Arrhythmogenic right ventricular dysplasia 5. Also called: ARRHYTHMOGENIC RIGHT VENTRICULAR DYSPLASIA, FAMILIAL, 5; Arrhythmogenic Right Ventricular Dysplasia/Cardiomyopathy 5. Identifiers: MedGen C1858379, MONDO:0011459, OMIM 604400.

Allele frequency attached by ClinVar (database versions not stated): gnomAD 0.00008; TOPMed 0.00009.
gnomAD v4.1: 111 of 1,610,824 alleles (0.0069%); highest among the groups gnomAD compares: Admixed American, 0.18%; no homozygotes.

Submissions (10):

CeGaT Center for Human Genetics Tuebingen
Classification: Likely benign. Last evaluated: 2026-09-01. Review status: criteria provided, single submitter. Criteria: CeGaT Center For Human Genetics Tuebingen Variant Classification Criteria Version 2. Collection method: clinical testing. Allele origin: germline. Affected: yes. Observed: 2 variant alleles.
Comment: TMEM43: BS2

Labcorp Genetics (formerly Invitae), Labcorp
Classification: Likely benign for Arrhythmogenic right ventricular dysplasia 5. Last evaluated: 2026-01-20. Review status: criteria provided, single submitter. Criteria: Invitae Variant Classification Sherloc (09022015). Collection method: clinical testing. Allele origin: germline.

ARUP Laboratories, Molecular Genetics and Genomics, ARUP Laboratories
Classification: Likely benign. Last evaluated: 2025-03-06. Review status: criteria provided, single submitter. Criteria: ARUP Molecular Germline Variant Investigation Process 2024. Collection method: clinical testing. Allele origin: germline.

All of Us Research Program, National Institutes of Health
Classification: Likely benign for Arrhythmogenic right ventricular dysplasia 5. Last evaluated: 2024-09-23. Review status: criteria provided, single submitter. Criteria: ACMG Guidelines, 2015. Collection method: clinical testing. Allele origin: germline. Inheritance: Autosomal dominant inheritance. Observed: 42 variant alleles, 41 heterozygotes, 1 homozygote.
Comment: This study involves interpretation of variants in research participants for the purpose of population health screening. Participant phenotype was not available at the time of variant classification. Additional details can be found in publication PMID: 35346344, PMCID: PMC8962531

Ambry Genetics
Classification: Likely benign for Cardiovascular phenotype. Last evaluated: 2021-02-09. Review status: criteria provided, single submitter. Criteria: Ambry Variant Classification Scheme 2023. Collection method: clinical testing. Allele origin: germline.

GeneDx
Classification: Likely benign. Last evaluated: 2019-11-05. Review status: criteria provided, single submitter. Criteria: GeneDx Variant Classification Process June 2021. Collection method: clinical testing. Allele origin: germline. Affected: yes.
Comment: Has not been previously published as pathogenic or benign to our knowledge

Color Diagnostics, LLC DBA Color Health
Classification: Likely benign for Cardiomyopathy. Last evaluated: 2018-11-07. Review status: criteria provided, single submitter. Criteria: ACMG Guidelines, 2015. Collection method: clinical testing. Allele origin: germline.

Center for Advanced Laboratory Medicine, UC San Diego Health, University of California San Diego
Classification: Uncertain significance for Cardiomyopathy. Last evaluated: 2017-04-12. Review status: criteria provided, single submitter. Criteria: ACMG Guidelines, 2015. Collection method: clinical testing. Allele origin: germline. Affected: yes. Observed: 1 variant allele.

Women's Health and Genetics/Laboratory Corporation of America, LabCorp
Classification: Likely benign. Last evaluated: 2017-01-30. Review status: criteria provided, single submitter. Criteria: LabCorp Variant Classification Summary - May 2015. Collection method: clinical testing. Allele origin: germline.
Comment: Variant summary: The TMEM43 c.286C>G (p.Arg96Gly) variant involves the alteration of a conserved nucleotide. 2/4 in silico tools predict a benign outcome for this variant (SNPs&GO not captured due to low reliability index). This variant was found in 27/119640 control chromosomes, predominantly observed in the Latino subpopulation at a frequency of 0.002257 (26/11522). This frequency is about 226 times the estimated maximal expected allele frequency of a pathogenic TMEM43 variant (0.00001), suggesting this is likely a benign polymorphism found primarily in the populations of Latino origin. In addition, one clinical diagnostic laboratory classified this variant as uncertain significance, without evidence for independent evaluation. The variant of interest has not, to our knowledge, been reported in affected individuals via publications, nor evaluated for functional impact by in vivo/vitro studies. Taken together, this variant is classified as likely benign.

PreventionGenetics, part of Exact Sciences
Classification: Likely benign for TMEM43-related condition. Last evaluated: 2024-03-27. Review status: no assertion criteria provided. Collection method: clinical testing. Allele origin: germline. Not counted in ClinVar's aggregate classification.
Comment: This variant is classified as likely benign based on ACMG/AMP sequence variant interpretation guidelines (Richards et al. 2015 PMID: 25741868, with internal and published modifications).

NM_024334.3(TMEM43):c.286C>G (p.Arg96Gly)

Gene: TMEM43 (transmembrane protein 43; plus strand). Cytogenetic location: 3p25.1.
Variant type: single nucleotide variant.
Coding change: c.286C>G on transcript NM_024334.3 (MANE Select); coding-DNA position 286, C replaced by G.
Protein change: p.Arg96Gly; replaces arginine 96 with glycine.
Molecular consequence: missense variant.
Genome position (GRCh38, 1-based): chr3:14,130,945, C>G. VCF-style: chr3-14130945-C-G. GRCh37 (hg19) VCF-style: chr3-14172445-C-G.
Other names: p.R96G:CGG>GGG; short protein forms R96G.
Identifiers: ClinVar variation 202127 (VCV000202127.32), dbSNP rs754797146, ClinGen allele CA024647.